The following is an entry in ClinVar:

ClinVar aggregate classification (germline): Uncertain significance (1 of 4 stars; one submission).

Conditions:
Autosomal dominant hypocalcemia 1 (HYPOC1). Also called: HYPOCALCEMIA, FAMILIAL. Identifiers: MedGen C3715128, MONDO:0011013, OMIM 601198.
Familial hypocalciuric hypercalcemia (FHH). Also called: Familial benign hypercalcemia. Identifiers: Orphanet 405, MedGen C1809471, MONDO:0018458.

Submission:

Labcorp Genetics (formerly Invitae), Labcorp
Classification: Uncertain significance for Familial hypocalciuric hypercalcemia; Autosomal dominant hypocalcemia 1. Last evaluated: 2023-10-03. Review status: criteria provided, single submitter. Criteria: Invitae Variant Classification Sherloc (09022015). Collection method: clinical testing. Allele origin: germline.
Comment: This sequence change replaces glycine, which is neutral and non-polar, with serine, which is neutral and polar, at codon 969 of the CASR protein (p.Gly969Ser). This variant is not present in population databases (gnomAD no frequency). This variant has not been reported in the literature in individuals affected with CASR-related conditions. An algorithm developed to predict the effect of missense changes on protein structure and function (PolyPhen-2) suggests that this variant is likely to be disruptive. In summary, the available evidence is currently insufficient to determine the role of this variant in disease. Therefore, it has been classified as a Variant of Uncertain Significance.

NM_000388.4(CASR):c.2905G>A (p.Gly969Ser)

Gene: CASR (calcium sensing receptor; plus strand). Cytogenetic location: 3q21.1.
Variant type: single nucleotide variant.
Coding change: c.2905G>A on transcript NM_000388.4 (MANE Select); coding-DNA position 2905, G replaced by A.
Protein change: p.Gly969Ser; replaces glycine 969 with serine.
Molecular consequence: missense variant.
Genome position (GRCh38, 1-based): chr3:122,284,859, G>A. VCF-style: chr3-122284859-G-A. GRCh37 (hg19) VCF-style: chr3-122003706-G-A.
Other names: c.2935G>A, p.Gly979Ser (NM_001178065.2); short protein forms G969S, G979S.
Identifiers: ClinVar variation 2931563 (VCV002931563.3), dbSNP rs2473282565, ClinGen allele CA354161028.